The following is an entry in ClinVar:

NM_006302.3(MOGS):c.1625A>G (p.His542Arg)

Gene: MOGS (mannosyl-oligosaccharide glucosidase; minus strand). Cytogenetic location: 2p13.1.
Variant type: single nucleotide variant.
Coding change: c.1625A>G on transcript NM_006302.3 (MANE Select); coding-DNA position 1625, A replaced by G.
Protein change: p.His542Arg; replaces histidine 542 with arginine.
Molecular consequence: missense variant.
Genome position (GRCh38, 1-based): chr2:74,462,164, T>C on the plus strand (A>G on the coding strand, the complement: MOGS is on the minus strand). VCF-style: chr2-74462164-T-C. GRCh37 (hg19) VCF-style: chr2-74689291-T-C.
Other names: c.1307A>G, p.His436Arg (NM_001146158.2); short protein forms H436R, H542R.
Identifiers: ClinVar variation 1473805 (VCV001473805.4), dbSNP rs754338562, ClinGen allele CA1724747.

ClinVar aggregate classification (germline): Uncertain significance (1 of 4 stars; one submission).

Conditions:
MOGS-congenital disorder of glycosylation. Also called: CDG 2B; GLUCOSIDASE I DEFICIENCY; CDG IIb; MOGS-CDG. Identifiers: Orphanet 79330, MedGen C1853736, MONDO:0011629, OMIM 606056.

Allele frequency attached by ClinVar (database versions not stated): gnomAD exomes below 0.00001 and 0.00004; ExAC 0.00001; gnomAD 0.00001.
gnomAD v4.1: 31 of 1,613,972 alleles (0.0019%); highest among the groups gnomAD compares: Non-Finnish European, 0.0026%; no homozygotes.

Submission:

Labcorp Genetics (formerly Invitae), Labcorp
Classification: Uncertain significance for MOGS-congenital disorder of glycosylation. Last evaluated: 2021-12-25. Review status: criteria provided, single submitter. Criteria: Invitae Variant Classification Sherloc (09022015). Collection method: clinical testing. Allele origin: germline.
Comment: In summary, the available evidence is currently insufficient to determine the role of this variant in disease. Therefore, it has been classified as a Variant of Uncertain Significance. Algorithms developed to predict the effect of missense changes on protein structure and function output the following: SIFT: "Tolerated"; PolyPhen-2: "Benign"; Align-GVGD: "Class C0". The arginine amino acid residue is found in multiple mammalian species, which suggests that this missense change does not adversely affect protein function. This variant has not been reported in the literature in individuals affected with MOGS-related conditions. This variant is present in population databases (rs754338562, gnomAD 0.002%). This sequence change replaces histidine, which is basic and polar, with arginine, which is basic and polar, at codon 542 of the MOGS protein (p.His542Arg).